The following is an entry in ClinVar:

NM_019594.4(LRRC8A):c.91A>G (p.Ile31Val)

Gene: LRRC8A (leucine rich repeat containing 8 VRAC subunit A; plus strand). Cytogenetic location: 9q34.11.
Variant type: single nucleotide variant.
Coding change: c.91A>G on transcript NM_019594.4 (MANE Select); coding-DNA position 91, A replaced by G.
Protein change: p.Ile31Val; replaces isoleucine 31 with valine.
Molecular consequence: missense variant.
Genome position (GRCh38, 1-based): chr9:128,907,255, A>G. VCF-style: chr9-128907255-A-G. GRCh37 (hg19) VCF-style: chr9-131669534-A-G.
Other names: c.91A>G (NM_001127244.1); c.91A>G, p.Ile31Val (NM_001127244.2, NM_001127245.2); short protein forms I31V.
Identifiers: ClinVar variation 3683598 (VCV003683598.3).
Genomic context (GRCh38, chr9:128,907,255, plus strand): 5'-GCGGACACGCAGCCAGCATACCGGATCCTGAAGCCGTGGTGGGATGTGTTCACAGACTAC[A>G]TCTCTATCGTCATGCTGATGATTGCCGTCTTCGGGGGGACGCTGCAGGTCACCCAAGACA-3'
Protein context (NP_062540.2, residues 21-41): KPWWDVFTDY[Ile31Val]SIVMLMIAVF

ClinVar aggregate classification (germline): Uncertain significance. Review status: criteria provided, multiple submitters, no conflicts (2 of 4 stars). 2 submissions from 2 submitters: Uncertain significance (2). Last evaluated 2025-11-23.

Submissions (2):

Labcorp Genetics (formerly Invitae), Labcorp
Classification: Uncertain significance. Last evaluated: 2025-11-23. Review status: criteria provided, single submitter. Criteria: Invitae Variant Classification Sherloc (09022015). Collection method: clinical testing. Allele origin: germline.
Comment: This sequence change replaces isoleucine, which is neutral and non-polar, with valine, which is neutral and non-polar, at codon 31 of the LRRC8A protein (p.Ile31Val). This variant is not present in population databases (gnomAD no frequency). This variant has not been reported in the literature in individuals affected with LRRC8A-related conditions. ClinVar contains an entry for this variant (Variation ID: 3683598). An algorithm developed to predict the effect of missense changes on protein structure and function (PolyPhen-2) suggests that this variant is likely to be tolerated. In summary, the available evidence is currently insufficient to determine the role of this variant in disease. Therefore, it has been classified as a Variant of Uncertain Significance.

Ambry Genetics
Classification: Uncertain significance. Last evaluated: 2025-01-01. Review status: criteria provided, single submitter. Criteria: Ambry Variant Classification Scheme 2023. Collection method: clinical testing. Allele origin: germline.